The following is an entry in ClinVar:

ClinVar aggregate classification (germline): Pathogenic (1 of 4 stars; one submission).

Conditions:
Danon disease. Also called: PSEUDOGLYCOGENOSIS II; ANTOPOL DISEASE; GSD IIb; LYSOSOMAL GLYCOGEN STORAGE DISEASE WITHOUT ACID MALTASE DEFICIENCY; Glycogen Storage Disease Type IIb. Identifiers: Orphanet 34587, MedGen C0878677, MONDO:0010281, OMIM 300257.

Submission:

Labcorp Genetics (formerly Invitae), Labcorp
Classification: Pathogenic for Danon disease. Last evaluated: 2023-03-27. Review status: criteria provided, single submitter. Criteria: Invitae Variant Classification Sherloc (09022015). Collection method: clinical testing. Allele origin: germline.
Comment: For these reasons, this variant has been classified as Pathogenic. Algorithms developed to predict the effect of sequence changes on RNA splicing suggest that this variant may disrupt the consensus splice site. This variant has not been reported in the literature in individuals affected with LAMP2-related conditions. This variant is not present in population databases (gnomAD no frequency). This sequence change creates a premature translational stop signal (p.Glu30*) in the LAMP2 gene. It is expected to result in an absent or disrupted protein product. Loss-of-function variants in LAMP2 are known to be pathogenic (PMID: 21415759).

Literature cited by the submitters: PubMed 21415759.

NM_002294.3(LAMP2):c.88G>T (p.Glu30Ter)

Gene: LAMP2 (lysosome associated membrane protein 2; minus strand). Cytogenetic location: Xq24.
Variant type: single nucleotide variant.
Coding change: c.88G>T on transcript NM_002294.3 (MANE Select); coding-DNA position 88, G replaced by T.
Protein change: p.Glu30Ter; replaces glutamic acid 30 with a stop codon.
Molecular consequence: nonsense.
Genome position (GRCh38, 1-based): chrX:120,456,746, C>A on the plus strand (G>T on the coding strand, the complement: LAMP2 is on the minus strand). VCF-style: chrX-120456746-C-A. GRCh37 (hg19) VCF-style: chrX-119590601-C-A.
Other names: c.88G>T, p.Glu30Ter (NM_001122606.1, NM_013995.2); short protein forms E30*.
Identifiers: ClinVar variation 2850235 (VCV002850235.3), dbSNP rs2520913492, ClinGen allele CA414403770.